The following is an entry in ClinVar:

NM_001282531.3(ADNP):c.2468T>G (p.Leu823Trp)

Gene: ADNP (activity dependent neuroprotector homeobox; minus strand). Cytogenetic location: 20q13.13.
Variant type: single nucleotide variant.
Coding change: c.2468T>G on transcript NM_001282531.3 (MANE Select); coding-DNA position 2468, T replaced by G.
Protein change: p.Leu823Trp; replaces leucine 823 with tryptophan.
Molecular consequence: missense variant.
Genome position (GRCh38, 1-based): chr20:50,892,246, A>C on the plus strand (T>G on the coding strand, the complement: ADNP is on the minus strand). VCF-style: chr20-50892246-A-C. GRCh37 (hg19) VCF-style: chr20-49508783-A-C.
Other names: c.2468T>G, p.Leu823Trp (NM_001282532.2, NM_001347511.2, NM_015339.5 and 1 more transcripts); short protein forms L823W.
Identifiers: ClinVar variation 3067113 (VCV003067113.2), dbSNP rs2515578225, ClinGen allele CA408969395.

ClinVar aggregate classification (germline): Likely pathogenic (1 of 4 stars; one submission).

Conditions:
ADNP-related multiple congenital anomalies - intellectual disability - autism spectrum disorder. Also called: Helsmoortel-Van der Aa Syndrome; ADNP-Related Helsmoortel-Van der Aa Syndrome. Identifiers: Orphanet 404448, MedGen C4014538, MONDO:0014379, OMIM 615873. Disease mechanism: loss of function.

Submission:

Center for Human Genetics and Genomic Medicine, Uniklinik Rwth Aachen
Classification: Likely pathogenic for ADNP-related multiple congenital anomalies - intellectual disability - autism spectrum disorder. Last evaluated: 2024-03-28. Review status: criteria provided, single submitter. Criteria: ACMG Guidelines, 2015. Collection method: clinical testing. Allele origin: de novo. Inheritance: Autosomal dominant inheritance. Affected: yes. Observed: 1 heterozygote.
Comment: The detected change is not reported in the general population (gnomAD) (as of March 28, 2024). It has not yet been described in ClinVar or the literature. Bioinformatic prediction programs predict a pathogenic effect of this change (CADDphred 27, PolyPhen2, SIFT). Based on the current state of knowledge, the variant can be classified as a “likely pathogenic variant” (ACMG criteria).